The following is an entry in ClinVar:

ClinVar aggregate classification (germline): Uncertain significance (1 of 4 stars; one submission).

Allele frequency attached by ClinVar (database versions not stated): gnomAD exomes below 0.00001; ExAC 0.00001.

Submission:

Labcorp Genetics (formerly Invitae), Labcorp
Classification: Uncertain significance. Last evaluated: 2024-01-18. Review status: criteria provided, single submitter. Criteria: Invitae Variant Classification Sherloc (09022015). Collection method: clinical testing. Allele origin: germline.
Comment: This sequence change replaces serine, which is neutral and polar, with leucine, which is neutral and non-polar, at codon 144 of the MTMR14 protein (p.Ser144Leu). This variant is present in population databases (rs767533712, gnomAD 0.006%). This variant has not been reported in the literature in individuals affected with MTMR14-related conditions. Advanced modeling of protein sequence and biophysical properties (such as structural, functional, and spatial information, amino acid conservation, physicochemical variation, residue mobility, and thermodynamic stability) has been performed at Invitae for this missense variant, however the output from this modeling did not meet the statistical confidence thresholds required to predict the impact of this variant on MTMR14 protein function. In summary, the available evidence is currently insufficient to determine the role of this variant in disease. Therefore, it has been classified as a Variant of Uncertain Significance.

NM_001077525.3(MTMR14):c.431C>T (p.Ser144Leu)

Gene: MTMR14 (myotubularin related protein 14; plus strand). Cytogenetic location: 3p25.3.
Variant type: single nucleotide variant.
Coding change: c.431C>T on transcript NM_001077525.3 (MANE Select); coding-DNA position 431, C replaced by T.
Protein change: p.Ser144Leu; replaces serine 144 with leucine.
Molecular consequence: missense variant. On other transcripts: 5 prime UTR variant (2), non-coding transcript variant (5), intron variant (19).
Genome position (GRCh38, 1-based): chr3:9,668,732, C>T. VCF-style: chr3-9668732-C-T. GRCh37 (hg19) VCF-style: chr3-9710416-C-T.
Other names: c.431C>T, p.Ser144Leu (NM_001077526.3, NM_001400519.1, NM_001400520.1 and 4 more transcripts); c.500C>T, p.Ser167Leu (NM_001400518.1, NM_001400521.1, NM_001400526.1); c.149C>T, p.Ser50Leu (NM_001400525.1, NM_001400529.1, NM_001400532.1 and 1 more transcripts); c.-212C>T (NM_001400540.1); c.-285C>T (NM_001400547.1); c.-149-700C>T (NM_001400542.1, NM_001400534.1, NM_001400541.1 and 4 more transcripts); c.-222-700C>T (NM_001400548.1); c.-88-2316C>T (NM_001400533.1, NM_001400539.1, NM_001400545.1 and 1 more transcripts); and 3 more; short protein forms S167L, S144L, S50L.
Identifiers: ClinVar variation 2892029 (VCV002892029.3), dbSNP rs767533712, ClinGen allele CA2240294.
Genomic context (GRCh38, chr3:9,668,732, plus strand): 5'-ATGCTTCAGAAAACCATCTGACCGTGAAAATGATGTTTCTCTCCCAGCACATTTGCAGGT[C>T]GGCCACACTGGCTGGATGGGGAGAGCTGTATGGACGCTCAGGCTACAACTATTTTTTCTC-3'
Protein context (NP_001070993.1, residues 134-154): ILFKGKHICR[Ser144Leu]ATLAGWGELY